The following is an entry in ClinVar:

ClinVar aggregate classification (germline): Pathogenic. Review status: criteria provided, multiple submitters, no conflicts (2 of 4 stars). 2 submissions from 2 submitters: Pathogenic (2). Last evaluated 2025-11-06.

Conditions:
Neurodevelopmental disorder with or without autism or seizures (NEDAUS). Identifiers: MedGen C5543225, MONDO:0030994, OMIM 619239.

Submissions (2):

Institute of Immunology and Genetics Kaiserslautern
Classification: Pathogenic for Neurodevelopmental disorder with or without autism or seizures. Last evaluated: 2025-11-06. Review status: criteria provided, single submitter. Criteria: ACMG Guidelines, 2015. Collection method: clinical testing. Allele origin: de novo. Affected: yes.
Comment: ACMG Criteria: PVS1, PS2, PM2; Variant was found in heterozygous state. De novo-status was confirmed via in-house segregation analysis.

Victorian Clinical Genetics Services, Murdoch Childrens Research Institute
Classification: Pathogenic for Neurodevelopmental disorder with or without autism or seizures. Last evaluated: 2024-11-14. Review status: criteria provided, single submitter. Criteria: ACMG Guidelines, 2015. Collection method: clinical testing. Allele origin: germline. Affected: yes.
Comment: This variant is classified as Pathogenic. Evidence in support of pathogenic classification: Variant is predicted to cause nonsense-mediated decay (NMD) and loss of protein (premature termination codon is located at least 54 nucleotides upstream of the final exon-exon junction); Variant is absent from gnomAD (v2, v3 and v4); Other NMD-predicted variant(s) comparable to the one identified in this case have very strong previous evidence for pathogenicity (DECIPHER). Additional information: This variant is heterozygous; This gene is associated with autosomal dominant disease; This variant has no previous evidence of pathogenicity; No published segregation evidence has been identified for this variant; No published functional evidence has been identified for this variant; Loss of function is a known mechanism of disease in this gene and is associated with neurodevelopmental disorder with or without autism or seizures (MIM#619239). Other variants that result in the skipping of exon 9 are associated with pseudohypoaldosteronism, type IIE (MIM#614496) due to CUL3 dysfunction; however, the exact mechanism of disease for this condition is unknown (PMID: 29361671); Variants in this gene are known to have variable expressivity with regards to neurodevelopmental disorder with or without autism or seizures (OMIM).

Literature cited by the submitters: PubMed 29361671 (cited by Victorian Clinical Genetics Services, Murdoch Childrens Research Institute).

NM_003590.5(CUL3):c.1921C>T (p.Gln641Ter)

Gene: CUL3 (cullin 3; minus strand). Cytogenetic location: 2q36.2.
Variant type: single nucleotide variant.
Coding change: c.1921C>T on transcript NM_003590.5 (MANE Select); coding-DNA position 1921, C replaced by T.
Protein change: p.Gln641Ter; replaces glutamine 641 with a stop codon.
Molecular consequence: nonsense.
Genome position (GRCh38, 1-based): chr2:224,482,000, G>A on the plus strand (C>T on the coding strand, the complement: CUL3 is on the minus strand). VCF-style: chr2-224482000-G-A. GRCh37 (hg19) VCF-style: chr2-225346717-G-A.
Other names: c.1723C>T, p.Gln575Ter (NM_001257197.2); c.1939C>T, p.Gln647Ter (NM_001257198.2); short protein forms Q575*, Q641*, Q647*.
Identifiers: ClinVar variation 4531822 (VCV004531822.2).